The following is an entry in ClinVar:

NM_003072.5(SMARCA4):c.1943+5G>A

Gene: SMARCA4 (SWI/SNF related BAF chromatin remodeling complex subunit ATPase 4; plus strand). Cytogenetic location: 19p13.2.
Variant type: single nucleotide variant.
Coding change: c.1943+5G>A on transcript NM_003072.5 (MANE Select); 5 bases into the intron after coding-DNA position 1943, G replaced by A.
Molecular consequence: intron variant.
Genome position (GRCh38, 1-based): chr19:11,003,164, G>A. VCF-style: chr19-11003164-G-A. GRCh37 (hg19) VCF-style: chr19-11113840-G-A.
Other names: c.1943+5G>A (NM_001128844.3, NM_001128849.3, NM_001128847.4 and 5 more transcripts).
Identifiers: ClinVar variation 1783080 (VCV001783080.2), dbSNP rs925181446, ClinGen allele CA305256381.

ClinVar aggregate classification (germline): Uncertain significance (1 of 4 stars; one submission).

Conditions:
Hereditary cancer-predisposing syndrome. Also called: Neoplastic Syndromes, Hereditary; Tumor predisposition; Hereditary Cancer Syndrome; Hereditary neoplastic syndrome. Identifiers: Orphanet 140162, MedGen C0027672, MeSH D009386, MONDO:0015356.

Allele frequency attached by ClinVar (database versions not stated): TOPMed below 0.00001.

Submission:

Ambry Genetics
Classification: Uncertain significance for Hereditary cancer-predisposing syndrome. Last evaluated: 2020-12-21. Review status: criteria provided, single submitter. Criteria: Ambry Variant Classification Scheme 2023. Collection method: clinical testing. Allele origin: germline.
Comment: The c.1943+5G>A intronic variant results from a G to A substitution 5 nucleotides after coding exon 11 in the SMARCA4 gene. This nucleotide position is highly conserved in available vertebrate species. In silico splice site analysis predicts that this alteration will result in the creation or strengthening of a novel splice donor site. Since supporting evidence is limited at this time, the clinical significance of this alteration remains unclear.